The following is an entry in ClinVar:

NM_006361.6(HOXB13):c.515G>C (p.Trp172Ser)

Gene: HOXB13 (homeobox B13; minus strand). Cytogenetic location: 17q21.32.
Variant type: single nucleotide variant.
Coding change: c.515G>C on transcript NM_006361.6 (MANE Select); coding-DNA position 515, G replaced by C.
Protein change: p.Trp172Ser; replaces tryptophan 172 with serine.
Molecular consequence: missense variant.
Genome position (GRCh38, 1-based): chr17:48,728,079, C>G on the plus strand (G>C on the coding strand, the complement: HOXB13 is on the minus strand). VCF-style: chr17-48728079-C-G. GRCh37 (hg19) VCF-style: chr17-46805441-C-G.
Other names: short protein forms W172S.
Identifiers: ClinVar variation 690820 (VCV000690820.9), dbSNP rs1597933929, ClinGen allele CA400107289.

ClinVar aggregate classification (germline): Uncertain significance. Review status: criteria provided, multiple submitters, no conflicts (2 of 4 stars). 3 submissions from 3 submitters: Uncertain significance (2). 1 of the submissions does not count toward it. Last evaluated 2026-01-25.

Conditions:
Hereditary cancer-predisposing syndrome. Also called: Neoplastic Syndromes, Hereditary; Tumor predisposition; Hereditary neoplastic syndrome; Hereditary Cancer Syndrome. Identifiers: Orphanet 140162, MedGen C0027672, MeSH D009386, MONDO:0015356.
Prostate cancer, hereditary, 1 (HPC1). Identifiers: Orphanet 1331, MedGen C4722327, MONDO:0011098, OMIM 601518.

Submissions (3):

Labcorp Genetics (formerly Invitae), Labcorp
Classification: Uncertain significance. Last evaluated: 2026-01-25. Review status: criteria provided, single submitter. Criteria: Invitae Variant Classification Sherloc (09022015). Collection method: clinical testing. Allele origin: germline.
Comment: This sequence change replaces tryptophan, which is neutral and slightly polar, with serine, which is neutral and polar, at codon 172 of the HOXB13 protein (p.Trp172Ser). This variant is not present in population databases (gnomAD no frequency). This variant has not been reported in the literature in individuals affected with HOXB13-related conditions. ClinVar contains an entry for this variant (Variation ID: 690820). Invitae Evidence Modeling of protein sequence and biophysical properties (such as structural, functional, and spatial information, amino acid conservation, physicochemical variation, residue mobility, and thermodynamic stability) indicates that this missense variant is not expected to disrupt HOXB13 protein function with a negative predictive value of 80%. In summary, the available evidence is currently insufficient to determine the role of this variant in disease. Therefore, it has been classified as a Variant of Uncertain Significance.

Ambry Genetics
Classification: Uncertain significance for Hereditary cancer-predisposing syndrome. Last evaluated: 2025-11-10. Review status: criteria provided, single submitter. Criteria: Ambry Variant Classification Scheme 2023. Collection method: clinical testing. Allele origin: germline.
Comment: The p.W172S variant (also known as c.515G>C), located in coding exon 1 of the HOXB13 gene, results from a G to C substitution at nucleotide position 515. The tryptophan at codon 172 is replaced by serine, an amino acid with highly dissimilar properties. This amino acid position is conserved. In addition, this alteration is predicted to be deleterious by in silico analysis. Based on the available evidence, the clinical significance of this variant remains unclear.

Laboratory of Virology, Microbiology,  Quality and Medical Biotechnologies, Faculty of Sciences and Techniques - Mohammedia, Hassan II University of Casablanca
Classification: Uncertain significance for Prostate cancer, hereditary, 1. Review status: no assertion criteria provided. Collection method: clinical testing. Allele origin: somatic. Affected: yes. Not counted in ClinVar's aggregate classification.